The following is an entry in ClinVar:

ClinVar aggregate classification (germline): Uncertain significance (1 of 4 stars; one submission).

Submission:

Labcorp Genetics (formerly Invitae), Labcorp
Classification: Uncertain significance. Last evaluated: 2023-11-17. Review status: criteria provided, single submitter. Criteria: Invitae Variant Classification Sherloc (09022015). Collection method: clinical testing. Allele origin: germline.
Comment: This sequence change falls in intron 4 of the POLE gene. It does not directly change the encoded amino acid sequence of the POLE protein. It affects a nucleotide within the consensus splice site. This variant is not present in population databases (gnomAD no frequency). This variant has not been reported in the literature in individuals affected with POLE-related conditions. Variants that disrupt the consensus splice site are a relatively common cause of aberrant splicing (PMID: 17576681, 9536098). Algorithms developed to predict the effect of sequence changes on RNA splicing suggest that this variant may disrupt the consensus splice site. In summary, the available evidence is currently insufficient to determine the role of this variant in disease. Therefore, it has been classified as a Variant of Uncertain Significance.

Literature cited by the submitters: PubMed 17576681; PubMed 9536098.

NM_006231.4(POLE):c.330+5G>A

Gene: POLE (DNA polymerase epsilon, catalytic subunit; minus strand). Cytogenetic location: 12q24.33.
Variant type: single nucleotide variant.
Coding change: c.330+5G>A on transcript NM_006231.4 (MANE Select); 5 bases into the intron after coding-DNA position 330, G replaced by A.
Molecular consequence: intron variant.
Genome position (GRCh38, 1-based): chr12:132,680,173, C>T on the plus strand (G>A on the coding strand, the complement: POLE is on the minus strand). VCF-style: chr12-132680173-C-T. GRCh37 (hg19) VCF-style: chr12-133256759-C-T.
Identifiers: ClinVar variation 2996144 (VCV002996144.3), dbSNP rs2542191528, ClinGen allele CA2740097636.
Genomic context (GRCh38, chr12:132,680,173, plus strand): 5'-AGTTGCAAAGCCCACCACAGAATGACACACAGGTCGTCTGACCTGAGTCTATGAAACACA[C>T]TCACCTTTCTGGTCGCAATGTAGAAATACGGTTTATAGGGCAAAGCCACCTGTTAAGAGT-3'